The following is an entry in ClinVar:

ClinVar aggregate classification (germline): Likely pathogenic (1 of 4 stars; one submission).

Conditions:
Hereditary spastic paraplegia 47. Also called: Spastic paraplegia 47, autosomal recessive; CEREBRAL PALSY, SPASTIC QUADRIPLEGIC, 5; adaptor protein 4 (AP-4) deficiency syndrome. Identifiers: Orphanet 280763, MedGen C3279738, MONDO:0013551, OMIM 614066.

Submission:

Labcorp Genetics (formerly Invitae), Labcorp
Classification: Likely pathogenic for Hereditary spastic paraplegia 47. Last evaluated: 2024-02-23. Review status: criteria provided, single submitter. Criteria: Invitae Variant Classification Sherloc (09022015). Collection method: clinical testing. Allele origin: germline.
Comment: This variant results in the deletion of part of exon 6 (c.1106_1114+8del) of the AP4B1 gene. It is expected to disrupt RNA splicing. Variants that disrupt the donor or acceptor splice site typically lead to a loss of protein function (PMID: 16199547), and loss-of-function variants in AP4B1 are known to be pathogenic (PMID: 22290197, 24700674, 24781758). This variant is not present in population databases (gnomAD no frequency). This variant has not been reported in the literature in individuals affected with AP4B1-related conditions. In summary, the currently available evidence indicates that the variant is pathogenic, but additional data are needed to prove that conclusively. Therefore, this variant has been classified as Likely Pathogenic.

Literature cited by the submitters: PubMed 16199547; PubMed 22290197; PubMed 24700674; PubMed 24781758.

NM_001253852.3(AP4B1):c.1106_1114+8del

Genes: AP4B1 (adaptor related protein complex 4 subunit beta 1; minus strand), AP4B1-AS1 (AP4B1 antisense RNA 1; plus strand). Cytogenetic location: 1p13.2.
Variant type: Deletion.
Coding change: c.1106_1114+8del on transcript NM_001253852.3 (MANE Select); coding-DNA position 1106 through 8 bases into the intron after coding-DNA position 1114, 17 bases deleted (TTGCCATAGGTAGGTGT).
Molecular consequence: splice donor variant. On other transcripts: non-coding transcript variant (2).
Genome position (GRCh38, 1-based): chr1:113,899,896-113,899,912, ACACCTACCTATGGCAA deleted on the plus strand (TTGCCATAGGTAGGTGT on the coding strand, the reverse complement: AP4B1 is on the minus strand); deleting any 17 consecutive bases within chr1:113,899,896-113,899,913 gives the same sequence; the c. name uses the placement nearest the transcript's 3' end. VCF-style (leftmost placement, unchanged base first): chr1-113899895-GACACCTACCTATGGCAA-G. GRCh37 (hg19) VCF-style: chr1-114442517-GACACCTACCTATGGCAA-G.
Other names: c.809_817+8del (NM_001253853.3); c.1106_1114+8del (NM_006594.5); c.602_610+8del (NM_001308312.2).
Identifiers: ClinVar variation 2695240 (VCV002695240.3), dbSNP rs2526581754, ClinGen allele CA2697554467.